The following is an entry in ClinVar:

ClinVar aggregate classification (germline): Likely pathogenic (1 of 4 stars; one submission).

Conditions:
Diencephalic-mesencephalic junction dysplasia syndrome 1 (DMJDS1). Also called: Microcephaly with spastic quadriplegia. Identifiers: MedGen C4538630, MONDO:0009625, OMIM 251280.

Submission:

Baylor Genetics
Classification: Likely pathogenic for Diencephalic-mesencephalic junction dysplasia syndrome 1. Last evaluated: 2020-07-27. Review status: criteria provided, single submitter. Criteria: ACMG Guidelines, 2015. Collection method: clinical testing. Allele origin: unknown. Affected: yes.
Comment: This variant was determined to be likely pathogenic according to ACMG Guidelines, 2015 [PMID:25741868].

NM_016580.4(PCDH12):c.115G>T (p.Glu39Ter)

Genes: PCDH12 (protocadherin 12; minus strand), RNF14 (ring finger protein 14; plus strand). Cytogenetic location: 5q31.3.
Variant type: single nucleotide variant.
Coding change: c.115G>T on transcript NM_016580.4 (MANE Select); coding-DNA position 115, G replaced by T.
Protein change: p.Glu39Ter; replaces glutamic acid 39 with a stop codon.
Molecular consequence: nonsense.
Genome position (GRCh38, 1-based): chr5:141,957,737, C>A on the plus strand (G>T on the coding strand, the complement: PCDH12 is on the minus strand). VCF-style: chr5-141957737-C-A. GRCh37 (hg19) VCF-style: chr5-141337302-C-A.
Other names: short protein forms E39*.
Identifiers: ClinVar variation 1030562 (VCV001030562.1), dbSNP rs1753211537, ClinGen allele CA361592425.
Genomic context (GRCh38, chr5:141,957,737, plus strand): 5'-GCCTCTCCTCCCGGCCCAGTTCCTGGGACAGCTTCCCGATCACTGTACCAGATGGCACTT[C>A]CTCTGACACTTGGTATTTCACCGTGAGAGTGGTCACCTCCTGACAATCCCCTAAAAGAAA-3'